The following is an entry in ClinVar:

ClinVar aggregate classification (germline): Uncertain significance (1 of 4 stars; one submission).

Conditions:
RASA1-related disorder. Also called: RASA1-related condition.

Submission:

PreventionGenetics, part of Exact Sciences
Classification: Uncertain significance for RASA1-related condition. Last evaluated: 2025-12-03. Review status: criteria provided, single submitter. Criteria: ACMG Guidelines, 2015. Collection method: clinical testing. Allele origin: germline.
Comment: The RASA1 c.1595A>G variant is predicted to result in the amino acid substitution p.Asp532Gly. To our knowledge, this variant has not been reported in the literature or in a large population database (gnomAD), indicating this variant is rare. At this time, the clinical significance of this variant is uncertain due to the absence of conclusive functional and genetic evidence.

NM_002890.3(RASA1):c.1595A>G (p.Asp532Gly)

Genes: CCNH (cyclin H; minus strand), RASA1 (RAS p21 protein activator 1; plus strand). Cytogenetic location: 5q14.3.
Variant type: single nucleotide variant.
Coding change: c.1595A>G on transcript NM_002890.3 (MANE Select); coding-DNA position 1595, A replaced by G.
Protein change: p.Asp532Gly; replaces aspartic acid 532 with glycine.
Molecular consequence: missense variant. On other transcripts: intron variant (1).
Genome position (GRCh38, 1-based): chr5:87,363,489, A>G. VCF-style: chr5-87363489-A-G. GRCh37 (hg19) VCF-style: chr5-86659306-A-G.
Other names: c.1064A>G, p.Asp355Gly (NM_022650.3); c.933+31555T>C (NM_001364075.2); short protein forms D355G, D532G.
Identifiers: ClinVar variation 4991548 (VCV004991548.1).
Genomic context (GRCh38, chr5:87,363,489, plus strand): 5'-GAGCTACCAAACCAAAAGGATTAATAGATCTCAGTGTATGTTCTGTCTATGTCGTTCATG[A>G]TAGTCTCTTTGGCAGGTAAGAGACTGGTTTCCTATTTTTCTTTCGGAATTGTCTTAATAA-3'
Protein context (NP_002881.1, residues 522-542): LSVCSVYVVH[Asp532Gly]SLFGRPNCFQ